The following is an entry in ClinVar:

ClinVar aggregate classification (germline): Uncertain significance. Review status: criteria provided, multiple submitters, no conflicts (2 of 4 stars). 2 submissions from 2 submitters: Uncertain significance (2). Last evaluated 2025-01-18.

Conditions:
Charcot-Marie-Tooth disease type 2. Also called: Charcot-Marie-Tooth type 2. Identifiers: Orphanet 64746, MedGen C0270914, MONDO:0018993.
Inborn genetic diseases. Identifiers: MedGen C0950123, MeSH D030342.

Allele frequency attached by ClinVar (database versions not stated): gnomAD exomes 0.00001 and below 0.00001.

Submissions (2):

Ambry Genetics
Classification: Uncertain significance for Inborn genetic diseases. Last evaluated: 2025-01-18. Review status: criteria provided, single submitter. Criteria: Ambry Variant Classification Scheme 2023. Collection method: clinical testing. Allele origin: germline.

Labcorp Genetics (formerly Invitae), Labcorp
Classification: Uncertain significance for Charcot-Marie-Tooth disease type 2. Last evaluated: 2024-10-12. Review status: criteria provided, single submitter. Criteria: Invitae Variant Classification Sherloc (09022015). Collection method: clinical testing. Allele origin: germline.
Comment: This sequence change replaces proline, which is neutral and non-polar, with leucine, which is neutral and non-polar, at codon 105 of the BSCL2 protein (p.Pro105Leu). This variant is present in population databases (no rsID available, gnomAD 0.0009%). This variant has not been reported in the literature in individuals affected with BSCL2-related conditions. ClinVar contains an entry for this variant (Variation ID: 476812). Invitae Evidence Modeling of protein sequence and biophysical properties (such as structural, functional, and spatial information, amino acid conservation, physicochemical variation, residue mobility, and thermodynamic stability) indicates that this missense variant is not expected to disrupt BSCL2 protein function with a negative predictive value of 80%. In summary, the available evidence is currently insufficient to determine the role of this variant in disease. Therefore, it has been classified as a Variant of Uncertain Significance.

NM_001122955.4(BSCL2):c.506C>T (p.Pro169Leu)

Genes: BSCL2 (BSCL2 lipid droplet biogenesis associated, seipin; minus strand), HNRNPUL2-BSCL2 (HNRNPUL2-BSCL2 readthrough (NMD candidate); minus strand). Cytogenetic location: 11q12.3.
Variant type: single nucleotide variant.
Coding change: c.506C>T on transcript NM_001122955.4 (MANE Select); coding-DNA position 506, C replaced by T.
Protein change: p.Pro169Leu; replaces proline 169 with leucine.
Molecular consequence: missense variant. On other transcripts: non-coding transcript variant (1).
Genome position (GRCh38, 1-based): chr11:62,694,692, G>A on the plus strand (C>T on the coding strand, the complement: BSCL2 is on the minus strand). VCF-style: chr11-62694692-G-A. GRCh37 (hg19) VCF-style: chr11-62462164-G-A.
Other names: c.314C>T, p.Pro105Leu (NM_001130702.2, NM_032667.6); c.506C>T, p.Pro169Leu (NM_001386027.1, NM_001386028.1); short protein forms P169L, P105L.
Identifiers: ClinVar variation 476812 (VCV000476812.8), dbSNP rs1325008761, ClinGen allele CA380966210.